The following is an entry in ClinVar:

NM_003396.3(WNT9B):c.179T>G (p.Leu60Arg)

Genes: LRRC37A2 (leucine rich repeat containing 37 member A2), WNT9B (Wnt family member 9B; plus strand). Cytogenetic location: 17q21.32.
Variant type: single nucleotide variant.
Coding change: c.179T>G on transcript NM_003396.3 (MANE Select); coding-DNA position 179, T replaced by G.
Protein change: p.Leu60Arg; replaces leucine 60 with arginine.
Molecular consequence: missense variant.
Genome position (GRCh38, 1-based): chr17:46,872,618, T>G. VCF-style: chr17-46872618-T-G. GRCh37 (hg19) VCF-style: chr17-44949984-T-G.
Other names: c.179T>G, p.Leu60Arg (NM_001320458.2); short protein forms L60R.
Identifiers: ClinVar variation 2101874 (VCV002101874.4), dbSNP rs1368052360, ClinGen allele CA400013744.

ClinVar aggregate classification (germline): Uncertain significance (1 of 4 stars; one submission).

Submission:

Labcorp Genetics (formerly Invitae), Labcorp
Classification: Uncertain significance. Last evaluated: 2024-10-15. Review status: criteria provided, single submitter. Criteria: Invitae Variant Classification Sherloc (09022015). Collection method: clinical testing. Allele origin: germline.
Comment: This sequence change replaces leucine, which is neutral and non-polar, with arginine, which is basic and polar, at codon 60 of the WNT9B protein (p.Leu60Arg). This variant is not present in population databases (gnomAD no frequency). This variant has not been reported in the literature in individuals affected with WNT9B-related conditions. ClinVar contains an entry for this variant (Variation ID: 2101874). An algorithm developed to predict the effect of missense changes on protein structure and function (PolyPhen-2) suggests that this variant is likely to be disruptive. In summary, the available evidence is currently insufficient to determine the role of this variant in disease. Therefore, it has been classified as a Variant of Uncertain Significance.